The following is an entry in ClinVar:

ClinVar aggregate classification (germline): Uncertain significance (1 of 4 stars; one submission).

gnomAD v4.1: 1 of 1,613,804 alleles (0.000062%); highest among the groups gnomAD compares: Non-Finnish European, 0.000085%; no homozygotes.

Submission:

Ambry Genetics
Classification: Uncertain significance. Last evaluated: 2025-05-26. Review status: criteria provided, single submitter. Criteria: Ambry Variant Classification Scheme 2023. Collection method: clinical testing. Allele origin: germline.
Comment: The p.D1199G variant (also known as c.3596A>G), located in coding exon 23 of the MYOM1 gene, results from an A to G substitution at nucleotide position 3596. The aspartic acid at codon 1199 is replaced by glycine, an amino acid with similar properties. This amino acid position is conserved. In addition, this alteration is predicted to be tolerated by in silico analysis. Based on the available evidence, the clinical significance of this variant remains unclear.

NM_003803.4(MYOM1):c.3596A>G (p.Asp1199Gly)

Gene: MYOM1 (myomesin 1; minus strand). Cytogenetic location: 18p11.31.
Variant type: single nucleotide variant.
Coding change: c.3596A>G on transcript NM_003803.4 (MANE Select); coding-DNA position 3596, A replaced by G.
Protein change: p.Asp1199Gly; replaces aspartic acid 1199 with glycine.
Molecular consequence: missense variant.
Genome position (GRCh38, 1-based): chr18:3,100,406, T>C on the plus strand (A>G on the coding strand, the complement: MYOM1 is on the minus strand). VCF-style: chr18-3100406-T-C. GRCh37 (hg19) VCF-style: chr18-3100404-T-C.
Other names: c.3308A>G, p.Asp1103Gly (NM_019856.2); short protein forms D1199G, D1103G.
Identifiers: ClinVar variation 3916560 (VCV003916560.1).